The following is an entry in ClinVar:

NM_007325.5(GRIA3):c.106A>G (p.Ile36Val)

Gene: GRIA3 (glutamate ionotropic receptor AMPA type subunit 3; plus strand). Cytogenetic location: Xq25.
Variant type: single nucleotide variant.
Coding change: c.106A>G on transcript NM_007325.5 (MANE Select); coding-DNA position 106, A replaced by G.
Protein change: p.Ile36Val; replaces isoleucine 36 with valine.
Molecular consequence: missense variant.
Genome position (GRCh38, 1-based): chrX:123,184,641, A>G. VCF-style: chrX-123184641-A-G. GRCh37 (hg19) VCF-style: chrX-122318493-A-G.
Other names: c.106A>G, p.Ile36Val (NM_000828.5, NM_001256743.2); c.106A>G (NM_000828.4); short protein forms I36V.
Identifiers: ClinVar variation 807808 (VCV000807808.49), dbSNP rs764200669, ClinGen allele CA10506818.
Genomic context (GRCh38, chrX:123,184,641, plus strand): 5'-TTCTTTTTAGTCCTGGGGCTTTTGGGTCATTCTCACGGAGGATTCCCCAACACCATCAGC[A>G]TAGGTAAGCGCAAGCGAGCCAGCCGTCGGTCCAGGCTCTCCCTCACCCGAGACCACTGCC-3'
Protein context (NP_015564.5, residues 26-46): SHGGFPNTIS[Ile36Val]GGLFMRNTVQ

ClinVar aggregate classification (germline): Conflicting classifications of pathogenicity. Review status: criteria provided, conflicting classifications (1 of 4 stars). 3 submissions from 3 submitters: Uncertain significance (2); Likely benign (1). Last evaluated 2024-04-12.

Conditions:
Inborn genetic diseases. Identifiers: MedGen C0950123, MeSH D030342.

Allele frequency attached by ClinVar (database versions not stated): ExAC 0.00001; gnomAD 0.00002; gnomAD exomes 0.00002 and 0.00004; TOPMed 0.00002.
gnomAD v4.1: 46 of 1,174,781 alleles (0.0039%); highest among the groups gnomAD compares: Non-Finnish European, 0.005%; no homozygotes.

Submissions (3):

Labcorp Genetics (formerly Invitae), Labcorp
Classification: Uncertain significance. Last evaluated: 2024-04-12. Review status: criteria provided, single submitter. Criteria: Invitae Variant Classification Sherloc (09022015). Collection method: clinical testing. Allele origin: germline.
Comment: This sequence change replaces isoleucine, which is neutral and non-polar, with valine, which is neutral and non-polar, at codon 36 of the GRIA3 protein (p.Ile36Val). This variant is present in population databases (rs764200669, gnomAD 0.006%). This variant has not been reported in the literature in individuals affected with GRIA3-related conditions. ClinVar contains an entry for this variant (Variation ID: 807808). Advanced modeling of protein sequence and biophysical properties (such as structural, functional, and spatial information, amino acid conservation, physicochemical variation, residue mobility, and thermodynamic stability) performed at Invitae indicates that this missense variant is not expected to disrupt GRIA3 protein function with a negative predictive value of 80%. In summary, the available evidence is currently insufficient to determine the role of this variant in disease. Therefore, it has been classified as a Variant of Uncertain Significance.

CeGaT Center for Human Genetics Tuebingen
Classification: Likely benign. Last evaluated: 2024-01-01. Review status: criteria provided, single submitter. Criteria: CeGaT Center For Human Genetics Tuebingen Variant Classification Criteria Version 2. Collection method: clinical testing. Allele origin: germline. Affected: yes. Observed: 2 variant alleles.
Comment: GRIA3: BP5, BS2

Ambry Genetics
Classification: Uncertain significance for Inborn genetic diseases. Last evaluated: 2023-12-31. Review status: criteria provided, single submitter. Criteria: Ambry Variant Classification Scheme 2023. Collection method: clinical testing. Allele origin: germline.